The following is an entry in ClinVar:

ClinVar aggregate classification (germline): Uncertain significance. Review status: criteria provided, multiple submitters, no conflicts (2 of 4 stars). 2 submissions from 2 submitters: Uncertain significance (2). Last evaluated 2026-02-02.

Conditions:
Inborn genetic diseases. Identifiers: MedGen C0950123, MeSH D030342.
Peroxisome biogenesis disorder 10A (Zellweger). Also called: Peroxisome biogenesis disorder 10A. Identifiers: Orphanet 912, MedGen C3553999, MONDO:0013948, OMIM 614882.

Allele frequency attached by ClinVar (database versions not stated): ExAC 0.00008; gnomAD exomes 0.00009 and 0.00022; gnomAD 0.00011; TOPMed 0.00011; ESP Exome Variant Server 0.00031.
gnomAD v4.1: 331 of 1,604,842 alleles (0.021%); highest among the groups gnomAD compares: Non-Finnish European, 0.028%; no homozygotes.

Submissions (2):

Labcorp Genetics (formerly Invitae), Labcorp
Classification: Uncertain significance. Last evaluated: 2026-02-02. Review status: criteria provided, single submitter. Criteria: Invitae Variant Classification Sherloc (09022015). Collection method: clinical testing. Allele origin: germline.
Comment: This sequence change replaces aspartic acid, which is acidic and polar, with glutamic acid, which is acidic and polar, at codon 305 of the PEX3 protein (p.Asp305Glu). This variant is present in population databases (rs201981448, gnomAD 0.02%). This variant has not been reported in the literature in individuals affected with PEX3-related conditions. ClinVar contains an entry for this variant (Variation ID: 843621). An algorithm developed to predict the effect of missense changes on protein structure and function outputs the following: PolyPhen-2: "Benign". The glutamic acid amino acid residue is found in multiple mammalian species, which suggests that this missense change does not adversely affect protein function. In summary, the available evidence is currently insufficient to determine the role of this variant in disease. Therefore, it has been classified as a Variant of Uncertain Significance.

Ambry Genetics
Classification: Uncertain significance for Inborn genetic diseases. Last evaluated: 2024-03-20. Review status: criteria provided, single submitter. Criteria: Ambry Variant Classification Scheme 2023. Collection method: clinical testing. Allele origin: germline.

NM_003630.3(PEX3):c.915C>A (p.Asp305Glu)

Gene: PEX3 (peroxisomal biogenesis factor 3; plus strand). Cytogenetic location: 6q24.2.
Variant type: single nucleotide variant.
Coding change: c.915C>A on transcript NM_003630.3 (MANE Select); coding-DNA position 915, C replaced by A.
Protein change: p.Asp305Glu; replaces aspartic acid 305 with glutamic acid.
Molecular consequence: missense variant.
Genome position (GRCh38, 1-based): chr6:143,479,172, C>A. VCF-style: chr6-143479172-C-A. GRCh37 (hg19) VCF-style: chr6-143800309-C-A.
Other names: short protein forms D305E.
Identifiers: ClinVar variation 843621 (VCV000843621.9), dbSNP rs201981448, ClinGen allele CA4029703.